The following is an entry in ClinVar:

NM_032806.6(POMGNT2):c.1643A>G (p.Glu548Gly)

Gene: POMGNT2 (protein O-linked mannose N-acetylglucosaminyltransferase 2 (beta 1,4-); minus strand). Cytogenetic location: 3p22.1.
Variant type: single nucleotide variant.
Coding change: c.1643A>G on transcript NM_032806.6 (MANE Select); coding-DNA position 1643, A replaced by G.
Protein change: p.Glu548Gly; replaces glutamic acid 548 with glycine.
Molecular consequence: missense variant.
Genome position (GRCh38, 1-based): chr3:43,079,789, T>C on the plus strand (A>G on the coding strand, the complement: POMGNT2 is on the minus strand). VCF-style: chr3-43079789-T-C. GRCh37 (hg19) VCF-style: chr3-43121281-T-C.
Other names: short protein forms E548G.
Identifiers: ClinVar variation 2102059 (VCV002102059.4), dbSNP rs2528892934, ClinGen allele CA352299514.

ClinVar aggregate classification (germline): Uncertain significance (1 of 4 stars; one submission).

Conditions:
Muscular dystrophy-dystroglycanopathy (congenital with brain and eye anomalies), type a, 8 (MDDGA8). Also called: WALKER-WARBURG SYNDROME OR MUSCLE-EYE-BRAIN DISEASE, GTDC2-RELATED. Identifiers: Orphanet 899, MedGen C3553813, MONDO:0013904, OMIM 614830.

Submission:

Labcorp Genetics (formerly Invitae), Labcorp
Classification: Uncertain significance for Muscular dystrophy-dystroglycanopathy (congenital with brain and eye anomalies), type a, 8. Last evaluated: 2022-03-13. Review status: criteria provided, single submitter. Criteria: Invitae Variant Classification Sherloc (09022015). Collection method: clinical testing. Allele origin: germline.
Comment: This variant has not been reported in the literature in individuals affected with POMGNT2-related conditions. This variant is not present in population databases (gnomAD no frequency). This sequence change replaces glutamic acid, which is acidic and polar, with glycine, which is neutral and non-polar, at codon 548 of the POMGNT2 protein (p.Glu548Gly). Algorithms developed to predict the effect of missense changes on protein structure and function are either unavailable or do not agree on the potential impact of this missense change (SIFT: "Deleterious"; PolyPhen-2: "Benign"; Align-GVGD: "Class C15"). In summary, the available evidence is currently insufficient to determine the role of this variant in disease. Therefore, it has been classified as a Variant of Uncertain Significance.